The following is an entry in ClinVar:

ClinVar aggregate classification (germline): Benign (1 of 4 stars; one submission).

Conditions:
Episodic ataxia type 6. Identifiers: Orphanet 209967, MedGen C2675211, MONDO:0012982, OMIM 612656.

Allele frequency attached by ClinVar (database versions not stated): 1000 Genomes Project 30x 0.00656; 1000 Genomes Project 0.00699; gnomAD 0.01145 and 0.01210; TOPMed 0.01235.

Submission:

Illumina Laboratory Services, Illumina
Classification: Benign for Episodic ataxia type 6. Last evaluated: 2018-01-12. Review status: criteria provided, single submitter. Criteria: ICSL Variant Classification Criteria 13 December 2019. Collection method: clinical testing. Allele origin: germline.
Comment: This variant was observed in the ICSL laboratory as part of a predisposition screen in an ostensibly healthy population. It had not been previously curated by ICSL or reported in the Human Gene Mutation Database (HGMD: prior to June 1st, 2018), and was therefore a candidate for classification through an automated scoring system. Utilizing variant allele frequency, disease prevalence and penetrance estimates, and inheritance mode, an automated score was calculated to assess if this variant is too frequent to cause the disease. Based on the score and internal cut-off values, a variant classified as benign is not then subjected to further curation. The score for this variant resulted in a classification of benign for this disease.

NM_004172.5(SLC1A3):c.*1381A>G

Genes: SLC1A3 (solute carrier family 1 member 3; plus strand), SLC1A3-AS1 (SLC1A3 antisense RNA 1; minus strand). Cytogenetic location: 5p13.2.
Variant type: single nucleotide variant.
Coding change: c.*1381A>G on transcript NM_004172.5 (MANE Select); 1381 bases downstream of the stop codon, A replaced by G.
Molecular consequence: 3 prime UTR variant.
Genome position (GRCh38, 1-based): chr5:36,687,650, A>G. VCF-style: chr5-36687650-A-G. GRCh37 (hg19) VCF-style: chr5-36687752-A-G.
Other names: c.*1381A>G (NM_001166695.3, NM_001289939.2, NM_001289940.2).
Identifiers: ClinVar variation 353352 (VCV000353352.5), dbSNP rs1803715, ClinGen allele CA10624409.
Genomic context (GRCh38, chr5:36,687,650, plus strand): 5'-TTCTTTAATCAAAAGTCCTTAGAATGAGGGAAACAAAATATTTATTTGTTTTGGAATCCC[A>G]CTTATCAAATCATTCAAAACTTTCAGCTGGAGTGGGGTTTGCTTTTGTTTTGTTTGTGTC-3'